The following is an entry in ClinVar:

ClinVar aggregate classification (germline): Uncertain significance (1 of 4 stars; one submission).

Conditions:
Malignant hyperthermia, susceptibility to, 1 (MHS1). Also called: Anesthesia related hyperthermia; Malignant hyperpyrexia; Fulminating hyperpyrexia; Pharmacogenic myopathy; Malignant hyperthermia suceptibility 1; RYR1-Related Malignant Hyperthermia Susceptibility. Identifiers: Orphanet 423, MedGen C2930980, MONDO:0007783, OMIM 145600.

Submission:

All of Us Research Program, National Institutes of Health
Classification: Uncertain significance for Malignant hyperthermia, susceptibility to, 1. Last evaluated: 2024-09-11. Review status: criteria provided, single submitter. Criteria: ACMG Guidelines, 2015. Collection method: clinical testing. Allele origin: germline. Inheritance: Autosomal dominant inheritance. Observed: 1 variant allele, 1 heterozygote.
Comment: This study involves interpretation of variants in research participants for the purpose of population health screening. Participant phenotype was not available at the time of variant classification. Additional details can be found in publication PMID: 35346344, PMCID: PMC8962531

NM_000540.3(RYR1):c.14280C>A (p.Asn4760Lys)

Gene: RYR1 (ryanodine receptor 1; plus strand). Cytogenetic location: 19q13.2.
Variant type: single nucleotide variant.
Coding change: c.14280C>A on transcript NM_000540.3 (MANE Select); coding-DNA position 14280, C replaced by A.
Protein change: p.Asn4760Lys; replaces asparagine 4760 with lysine.
Molecular consequence: missense variant.
Genome position (GRCh38, 1-based): chr19:38,578,025, C>A. VCF-style: chr19-38578025-C-A. GRCh37 (hg19) VCF-style: chr19-39068665-C-A.
Other names: c.14265C>A, p.Asn4755Lys (NM_001042723.2); short protein forms N4755K, N4760K.
Identifiers: ClinVar variation 3385620 (VCV003385620.1).
Genomic context (GRCh38, chr19:38,578,025, plus strand): 5'-GCTACTGGGCATGGACCTGGCCACACTAGAGATCACAGCCCACAATGAGCGCAAGCCCAA[C>A]CCGCCGCCAGGGCTGCTGACCTGGTGAGCCCAGGACACCCCTGCACAGGCCTGGGGCATG-3'
Protein context (NP_000531.2, residues 4750-4770): EITAHNERKP[Asn4760Lys]PPPGLLTWLM